The following is an entry in ClinVar:

NM_004519.4(KCNQ3):c.*4947G>A

Gene: KCNQ3 (potassium voltage-gated channel subfamily Q member 3; minus strand). Cytogenetic location: 8q24.22.
Variant type: single nucleotide variant.
Coding change: c.*4947G>A on transcript NM_004519.4 (MANE Select); 4947 bases downstream of the stop codon, G replaced by A.
Molecular consequence: 3 prime UTR variant.
Genome position (GRCh38, 1-based): chr8:132,124,315, C>T on the plus strand (G>A on the coding strand, the complement: KCNQ3 is on the minus strand). VCF-style: chr8-132124315-C-T. GRCh37 (hg19) VCF-style: chr8-133136562-C-T.
Other names: c.*4947G>A (NM_001204824.2).
Identifiers: ClinVar variation 911582 (VCV000911582.4), dbSNP rs140565364, ClinGen allele CA185429578.

ClinVar aggregate classification (germline): Benign (1 of 4 stars; one submission).

Conditions:
Seizures, benign familial neonatal, 2. Also called: Benign Neonatal Epilepsy 2; CONVULSIONS, BENIGN FAMILIAL NEONATAL, 2; KCNQ3-Related Benign Familial Neonatal Epilepsy; KCNQ3-Related Self-Limited Familial Neonatal Epilepsy (SLFNE); Seizures, benign neonatal, 2. Identifiers: Orphanet 1949, MedGen C1852581, MONDO:0007366, OMIM 121201.

Allele frequency attached by ClinVar (database versions not stated): TOPMed 0.00016.
gnomAD v4.1: 21 of 152,080 alleles (0.014%); highest among the groups gnomAD compares: Admixed American, 0.033%; no homozygotes.

Submission:

Illumina Laboratory Services, Illumina
Classification: Benign for Seizures, benign familial neonatal, 2. Last evaluated: 2017-05-22. Review status: criteria provided, single submitter. Criteria: ICSL Variant Classification Criteria 13 December 2019. Collection method: clinical testing. Allele origin: germline.
Comment: This variant was observed as part of a predisposition screen in an ostensibly healthy population. A literature search was performed for the gene, cDNA change, and amino acid change (where applicable). No publications were found based on this search. Allele frequency data from public databases was too high to be consistent with this variant causing disease. Therefore, this variant is classified as benign.